The following is an entry in ClinVar:

ClinVar aggregate classification (germline): Uncertain significance (1 of 4 stars; one submission).

Submission:

GeneDx
Classification: Uncertain significance. Last evaluated: 2017-05-25. Review status: criteria provided, single submitter. Criteria: GeneDx Variant Classification (06012015). Collection method: clinical testing. Allele origin: germline. Affected: yes.
Comment: The P103L variant in the EGR2 gene has not been reported previously as a pathogenic variant, nor as a benign variant, to our knowledge. The P103L variant is not observed in large population cohorts (Lek et al., 2016; 1000 Genomes Consortium et al., 2015; Exome Variant Server). The P103L variant is a semi-conservative amino acid substitution, which may impact secondary protein structure as these residues differ in some properties. This substitution occurs at a position that is not conserved. In silico analysis predicts this variant is probably damaging to the protein structure/function. We interpret P103L as a variant of uncertain significance.

NM_000399.5(EGR2):c.308C>T (p.Pro103Leu)

Gene: EGR2 (early growth response 2; minus strand). Cytogenetic location: 10q21.3.
Variant type: single nucleotide variant.
Coding change: c.308C>T on transcript NM_000399.5 (MANE Select); coding-DNA position 308, C replaced by T.
Protein change: p.Pro103Leu; replaces proline 103 with leucine.
Molecular consequence: missense variant.
Genome position (GRCh38, 1-based): chr10:62,814,330, G>A on the plus strand (C>T on the coding strand, the complement: EGR2 is on the minus strand). VCF-style: chr10-62814330-G-A. GRCh37 (hg19) VCF-style: chr10-64574090-G-A.
Other names: c.308C>T, p.Pro103Leu (NM_001136177.3, NM_001136178.2); c.158C>T, p.Pro53Leu (NM_001136179.3, NM_001321037.2); short protein forms P103L, P53L.
Identifiers: ClinVar variation 430425 (VCV000430425.2), dbSNP rs1131691956, ClinGen allele CA377031547.